The following is an entry in ClinVar:

NM_001845.6(COL4A1):c.4611G>A (p.Thr1537=)

Gene: COL4A1 (collagen type IV alpha 1 chain; minus strand). Cytogenetic location: 13q34.
Variant type: single nucleotide variant.
Coding change: c.4611G>A on transcript NM_001845.6 (MANE Select); coding-DNA position 4611, G replaced by A.
Protein change: p.Thr1537=; no amino-acid change (threonine 1537 retained).
Molecular consequence: synonymous variant.
Genome position (GRCh38, 1-based): chr13:110,161,221, C>T on the plus strand (G>A on the coding strand, the complement: COL4A1 is on the minus strand). VCF-style: chr13-110161221-C-T. GRCh37 (hg19) VCF-style: chr13-110813568-C-T.
Other names: c.4611G>A (NM_001845.5).
Identifiers: ClinVar variation 2080551 (VCV002080551.5), dbSNP rs1198742527, ClinGen allele CA484788175.

ClinVar aggregate classification (germline): Likely benign. Review status: criteria provided, multiple submitters, no conflicts (2 of 4 stars). 2 submissions from 2 submitters: Likely benign (2). Last evaluated 2025-06-12.

Conditions:
COL4A1-related disorder. Also called: COL4A1-related disorders; COL4A1-related condition. Identifiers: MedGen CN376119, MONDO:0800461.

Allele frequency attached by ClinVar (database versions not stated): gnomAD exomes below 0.00001; gnomAD 0.00001; TOPMed 0.00002.
gnomAD v4.1: 4 of 1,614,058 alleles (0.00025%); highest among the groups gnomAD compares: South Asian, 0.0022%; no homozygotes.

Submissions (2):

Labcorp Genetics (formerly Invitae), Labcorp
Classification: Likely benign. Last evaluated: 2025-06-12. Review status: criteria provided, single submitter. Criteria: Invitae Variant Classification Sherloc (09022015). Collection method: clinical testing. Allele origin: germline.

PreventionGenetics, part of Exact Sciences
Classification: Likely benign for COL4A1-related condition. Last evaluated: 2025-01-24. Review status: criteria provided, single submitter. Criteria: ACMG Guidelines, 2015. Collection method: clinical testing. Allele origin: germline.
Comment: This variant is classified as likely benign based on ACMG/AMP sequence variant interpretation guidelines (Richards et al. 2015 PMID: 25741868, with internal and published modifications).